The following is an entry in ClinVar:

ClinVar aggregate classification (germline): Uncertain significance. Review status: criteria provided, multiple submitters, no conflicts (2 of 4 stars). 4 submissions from 4 submitters: Uncertain significance (4). Last evaluated 2025-11-17.

Conditions:
Hereditary cancer-predisposing syndrome. Also called: Neoplastic Syndromes, Hereditary; Hereditary Cancer Syndrome; Hereditary neoplastic syndrome; Tumor predisposition. Identifiers: Orphanet 140162, MedGen C0027672, MeSH D009386, MONDO:0015356.
Gastrointestinal stromal tumor. Also called: Gastrointestinal stromal tumor, somatic; Gastrointestinal stroma tumor. Identifiers: Orphanet 44890, MedGen C0238198, MeSH D046152, MONDO:0011719, OMIM 606764, HP:0100723.
Idiopathic hypereosinophilic syndrome (HES). Identifiers: Orphanet 3260, MedGen C0206141, MONDO:0011895, OMIM 607685. Disease mechanism: gain of function.
Polyps, multiple and recurrent inflammatory fibroid, gastrointestinal. Identifiers: MedGen C5193005, MONDO:0008285, OMIM 175510.

Allele frequency attached by ClinVar (database versions not stated): gnomAD exomes below 0.00001; gnomAD 0.00001.
gnomAD v4.1: 6 of 1,613,930 alleles (0.00037%); highest among the groups gnomAD compares: Admixed American, 0.0033%; no homozygotes.

Submissions (4):

Ambry Genetics
Classification: Uncertain significance for Hereditary cancer-predisposing syndrome. Last evaluated: 2025-11-17. Review status: criteria provided, single submitter. Criteria: Ambry Variant Classification Scheme 2023. Collection method: clinical testing. Allele origin: germline.
Comment: The p.P553L variant (also known as c.1658C>T), located in coding exon 11 of the PDGFRA gene, results from a C to T substitution at nucleotide position 1658. The proline at codon 553 is replaced by leucine, an amino acid with similar properties. This amino acid position is highly conserved in available vertebrate species. In addition, this alteration is predicted to be deleterious by in silico analysis. Since supporting evidence is limited at this time, the clinical significance of this alteration remains unclear.

Labcorp Genetics (formerly Invitae), Labcorp
Classification: Uncertain significance for Gastrointestinal stromal tumor. Last evaluated: 2025-11-09. Review status: criteria provided, single submitter. Criteria: Invitae Variant Classification Sherloc (09022015). Collection method: clinical testing. Allele origin: germline.
Comment: This sequence change replaces proline, which is neutral and non-polar, with leucine, which is neutral and non-polar, at codon 553 of the PDGFRA protein (p.Pro553Leu). This variant is not present in population databases (gnomAD no frequency). This variant has not been reported in the literature in individuals affected with PDGFRA-related conditions. ClinVar contains an entry for this variant (Variation ID: 407380). Invitae Evidence Modeling of protein sequence and biophysical properties (such as structural, functional, and spatial information, amino acid conservation, physicochemical variation, residue mobility, and thermodynamic stability) has been performed for this missense variant. However, the output from this modeling did not meet the statistical confidence thresholds required to predict the impact of this variant on PDGFRA protein function. In summary, the available evidence is currently insufficient to determine the role of this variant in disease. Therefore, it has been classified as a Variant of Uncertain Significance.

GeneDx
Classification: Uncertain significance. Last evaluated: 2022-08-10. Review status: criteria provided, single submitter. Criteria: GeneDx Variant Classification Process June 2021. Collection method: clinical testing. Allele origin: germline. Affected: yes.
Comment: Not observed at significant frequency in large population cohorts (gnomAD); In silico analysis supports that this missense variant has a deleterious effect on protein structure/function; Has not been previously published as pathogenic or benign to our knowledge

Fulgent Genetics
Classification: Uncertain significance for Polyps, multiple and recurrent inflammatory fibroid, gastrointestinal; Idiopathic hypereosinophilic syndrome. Last evaluated: 2022-03-15. Review status: criteria provided, single submitter. Criteria: ACMG Guidelines, 2015. Collection method: clinical testing. Allele origin: unknown.

NM_006206.6(PDGFRA):c.1658C>T (p.Pro553Leu)

Gene: PDGFRA (platelet derived growth factor receptor alpha; plus strand). Cytogenetic location: 4q12.
Variant type: single nucleotide variant.
Coding change: c.1658C>T on transcript NM_006206.6 (MANE Select); coding-DNA position 1658, C replaced by T.
Protein change: p.Pro553Leu; replaces proline 553 with leucine.
Molecular consequence: missense variant.
Genome position (GRCh38, 1-based): chr4:54,274,845, C>T. VCF-style: chr4-54274845-C-T. GRCh37 (hg19) VCF-style: chr4-55141012-C-T.
Other names: c.1658C>T, p.Pro553Leu (NM_001347827.2, NM_001347829.2); c.1733C>T, p.Pro578Leu (NM_001347828.2); c.1697C>T, p.Pro566Leu (NM_001347830.2); short protein forms P553L, P566L, P578L.
Identifiers: ClinVar variation 407380 (VCV000407380.16), dbSNP rs1060501502, ClinGen allele CA16611466.
Genomic context (GRCh38, chr4:54,274,845, plus strand): 5'-CTCTGGTGCACTGGGACTTTGGTAATTCACCAGTTACCTGTCCTGGTCATTTATAGAAAC[C>T]GAGGTATGAAATTCGCTGGAGGGTCATTGAATCAATCAGCCCAGATGGACATGAATATAT-3'
Protein context (NP_006197.1, residues 543-563): IVLVVIWKQK[Pro553Leu]RYEIRWRVIE